The following is an entry in ClinVar:

NM_001378615.1(CC2D2A):c.4438-3T>C

Genes: CC2D2A (coiled-coil and C2 domain containing 2A; plus strand), FBXL5 (F-box and leucine rich repeat protein 5; minus strand). Cytogenetic location: 4p15.32.
Variant type: single nucleotide variant.
Coding change: c.4438-3T>C on transcript NM_001378615.1 (MANE Select); 3 bases into the intron before coding-DNA position 4438, T replaced by C.
Molecular consequence: intron variant.
Genome position (GRCh38, 1-based): chr4:15,597,404, T>C. VCF-style: chr4-15597404-T-C. GRCh37 (hg19) VCF-style: chr4-15599027-T-C.
Other names: c.4438-3T>C (NM_001080522.2); c.4291-3T>C (NM_001378617.1).
Identifiers: ClinVar variation 4993573 (VCV004993573.1).

ClinVar aggregate classification (germline): Likely benign (1 of 4 stars; one submission).

Conditions:
CC2D2A-related disorder. Also called: CC2D2A-related condition; CC2D2A-related disorders. Identifiers: MedGen CN239313.

Submission:

PreventionGenetics, part of Exact Sciences
Classification: Likely benign for CC2D2A-related condition. Last evaluated: 2025-11-10. Review status: criteria provided, single submitter. Criteria: ACMG Guidelines, 2015. Collection method: clinical testing. Allele origin: germline.
Comment: This variant is classified as likely benign based on ACMG/AMP sequence variant interpretation guidelines (Richards et al. 2015 PMID: 25741868, with internal and published modifications).